The following is an entry in ClinVar:

NM_000321.3(RB1):c.1803del (p.Ala602fs)

Gene: RB1 (RB transcriptional corepressor 1; plus strand). Cytogenetic location: 13q14.2.
Variant type: Deletion.
Coding change: c.1803del on transcript NM_000321.3 (MANE Select); coding-DNA position 1803, one base deleted (T; older notation c.1803delT).
Protein change: p.Ala602fs; shifts the reading frame from alanine 602.
Molecular consequence: frameshift variant.
Genome position (GRCh38, 1-based): chr13:48,453,100, T deleted. VCF-style (leftmost placement, unchanged base first): chr13-48453099-CT-C. GRCh37 (hg19) VCF-style: chr13-49027235-CT-C.
Other names: c.1803del, p.Ala602fs (NM_001407165.1); short protein forms A602fs.
Identifiers: ClinVar variation 3237029 (VCV003237029.1), dbSNP rs2542360845.

ClinVar aggregate classification (germline): Pathogenic (1 of 4 stars; one submission).

Conditions:
Retinoblastoma (RB1). Also called: RETINOBLASTOMA, SOMATIC. Identifiers: Orphanet 790, MedGen C0035335, MeSH D012175, MONDO:0008380, OMIM 180200, HP:0009919. Disease mechanism: loss of function. Inheritance: Both sporadic and heritable forms are tested..

Submission:

Genetic Diagnostic Laboratory, University of Pennsylvania School of Medicine
Classification: Pathogenic for Retinoblastoma. Last evaluated: 2024-05-20. Review status: criteria provided, single submitter. Criteria: ACMG Guidelines, 2015. Collection method: clinical testing. Allele origin: germline. Affected: yes. Observed: 1 variant allele.
Comment: Case and Pedigree Information: BILATERAL CASES:1, UNILATERAL CASES:0, TOTAL CASES:1, PEDIGREES:1. ACMG Codes Applied:PVS1, PM2